The following is an entry in ClinVar:

NM_018082.6(POLR3B):c.3390G>C (p.Lys1130Asn)

Genes: POLR3B (RNA polymerase III subunit B; plus strand), RFX4-AS1 (RFX4 antisense RNA 1; minus strand). Cytogenetic location: 12q23.3.
Variant type: single nucleotide variant.
Coding change: c.3390G>C on transcript NM_018082.6 (MANE Select); coding-DNA position 3390, G replaced by C.
Protein change: p.Lys1130Asn; replaces lysine 1130 with asparagine.
Molecular consequence: missense variant.
Genome position (GRCh38, 1-based): chr12:106,509,537, G>C. VCF-style: chr12-106509537-G-C. GRCh37 (hg19) VCF-style: chr12-106903315-G-C.
Other names: c.3216G>C, p.Lys1072Asn (NM_001160708.2); short protein forms K1130N, K1072N.
Identifiers: ClinVar variation 306953 (VCV000306953.11), dbSNP rs201527706, ClinGen allele CA6762475.

ClinVar aggregate classification (germline): Uncertain significance. Review status: criteria provided, multiple submitters, no conflicts (2 of 4 stars). 3 submissions from 3 submitters: Uncertain significance (3). Last evaluated 2025-12-06.

Conditions:
Leukodystrophy, hypomyelinating, 8, with or without oligodontia and/or hypogonadotropic hypogonadism. Also called: LEUKODYSTROPHY, HYPOMYELINATING, 8, WITH HYPODONTIA AND HYPOGONADOTROPIC HYPOGONADISM; Hypomyelinating leukodystrophy 8 with or without oligodontia and-or hypogonadotropic hypogonadism; Endosteal sclerosis-cerebellar hypoplasia syndrome. Identifiers: Orphanet 85186, Orphanet 88637, MedGen C3280644, MONDO:0013722, OMIM 614381.
Charcot-Marie-Tooth disease, demyelinating, IIA 1I. Also called: Charcot-Marie-Tooth disease, demyelinating, type 1I; CHARCOT-MARIE-TOOTH NEUROPATHY, TYPE 1I. Identifiers: MedGen C5676914, MONDO:0030677, OMIM 619742.

Allele frequency attached by ClinVar (database versions not stated): gnomAD 0.00009; ESP Exome Variant Server 0.00008; 1000 Genomes Project 30x 0.00016; 1000 Genomes Project 0.00020; gnomAD exomes 0.00018; TOPMed 0.00009; ExAC 0.00026.
gnomAD v4.1: 201 of 1,612,708 alleles (0.012%); highest among the groups gnomAD compares: Middle Eastern, 0.066%; no homozygotes.

Submissions (3):

Labcorp Genetics (formerly Invitae), Labcorp
Classification: Uncertain significance. Last evaluated: 2025-12-06. Review status: criteria provided, single submitter. Criteria: Invitae Variant Classification Sherloc (09022015). Collection method: clinical testing. Allele origin: germline.
Comment: This sequence change replaces lysine, which is basic and polar, with asparagine, which is neutral and polar, at codon 1130 of the POLR3B protein (p.Lys1130Asn). This variant is present in population databases (rs201527706, gnomAD 0.06%). This variant has not been reported in the literature in individuals affected with POLR3B-related conditions. ClinVar contains an entry for this variant (Variation ID: 306953). An algorithm developed to predict the effect of missense changes on protein structure and function (PolyPhen-2) suggests that this variant is likely to be tolerated. In summary, the available evidence is currently insufficient to determine the role of this variant in disease. Therefore, it has been classified as a Variant of Uncertain Significance.

New York Genome Center
Classification: Uncertain significance for Charcot-Marie-Tooth disease, demyelinating, IIA 1I; Leukodystrophy, hypomyelinating, 8, with or without oligodontia and/or hypogonadotropic hypogonadism. Last evaluated: 2023-04-06. Review status: criteria provided, single submitter. Criteria: NYGC Assertion Criteria 2020. Collection method: clinical testing. Allele origin: germline. Observed: 1 heterozygote.

Illumina Laboratory Services, Illumina
Classification: Uncertain significance for Leukodystrophy, hypomyelinating, 8, with or without oligodontia and/or hypogonadotropic hypogonadism. Last evaluated: 2018-01-12. Review status: criteria provided, single submitter. Criteria: ICSL Variant Classification Criteria 13 December 2019. Collection method: clinical testing. Allele origin: germline.